The following is an entry in ClinVar:

ClinVar aggregate classification (germline): Conflicting classifications of pathogenicity. Review status: criteria provided, conflicting classifications (1 of 4 stars). 5 submissions from 2 submitters: Uncertain significance (1); Benign (3); Likely benign (1). Last evaluated 2026-01-26.

Conditions:
Retinitis pigmentosa (RP). Identifiers: Orphanet 791, MedGen C0035334, MeSH D012174, MONDO:0019200, OMIM 268000. Inheritance: Autosomal dominant, autosomal recessive and X linked inheritance.
Cone-rod dystrophy 12 (CORD12). Identifiers: Orphanet 1872, MedGen C2675210, MONDO:0012983, OMIM 612657.
Retinal macular dystrophy type 2 (MCDR2). Also called: Bull's eye macular dystrophy. Identifiers: Orphanet 319640, MedGen C4749334, MONDO:0011957, OMIM 608051.
Stargardt disease 4 (STGD4). Identifiers: Orphanet 827, MedGen C1863534, MONDO:0011370, OMIM 603786.

Allele frequency attached by ClinVar (database versions not stated): gnomAD exomes 0.00050 and 0.00123; ExAC 0.00149; ESP Exome Variant Server 0.00464; gnomAD 0.00482 and 0.00518; 1000 Genomes Project 0.00519; TOPMed 0.00546; 1000 Genomes Project 30x 0.00547.
gnomAD v4.1: 1,524 of 1,613,886 alleles (0.094%); highest among the groups gnomAD compares: African/African-American, 1.7%; 15 homozygotes.

Submissions (6):

Labcorp Genetics (formerly Invitae), Labcorp
Classification: Benign. Last evaluated: 2026-01-26. Review status: criteria provided, single submitter. Criteria: Invitae Variant Classification Sherloc (09022015). Collection method: clinical testing. Allele origin: germline.

Illumina Laboratory Services, Illumina
Classification: Benign for Cone-rod dystrophy 12. Last evaluated: 2018-01-13. Review status: criteria provided, single submitter. Criteria: ICSL Variant Classification Criteria 13 December 2019. Collection method: clinical testing. Allele origin: germline.
Comment: This variant was observed in the ICSL laboratory as part of a predisposition screen in an ostensibly healthy population. It had not been previously curated by ICSL or reported in the Human Gene Mutation Database (HGMD: prior to June 1st, 2018), and was therefore a candidate for classification through an automated scoring system. Utilizing variant allele frequency, disease prevalence and penetrance estimates, and inheritance mode, an automated score was calculated to assess if this variant is too frequent to cause the disease. Based on the score and internal cut-off values, a variant classified as benign is not then subjected to further curation. The score for this variant resulted in a classification of benign for this disease.

Illumina Laboratory Services, Illumina
Classification: Uncertain significance for Retinitis pigmentosa. Last evaluated: 2018-01-13. Review status: criteria provided, single submitter. Criteria: ICSL Variant Classification Criteria 13 December 2019. Collection method: clinical testing. Allele origin: germline.

Illumina Laboratory Services, Illumina
Classification: Likely benign for Retinal macular dystrophy type 2. Last evaluated: 2018-01-13. Review status: criteria provided, single submitter. Criteria: ICSL Variant Classification Criteria 13 December 2019. Collection method: clinical testing. Allele origin: germline.
Comment: This variant was observed in the ICSL laboratory as part of a predisposition screen in an ostensibly healthy population. It had not been previously curated by ICSL or reported in the Human Gene Mutation Database (HGMD: prior to June 1st, 2018), and was therefore a candidate for classification through an automated scoring system. Utilizing variant allele frequency, disease prevalence and penetrance estimates, and inheritance mode, an automated score was calculated to assess if this variant is too frequent to cause the disease. Based on the score and internal cut-off values, a variant classified as likely benign is not then subjected to further curation. The score for this variant resulted in a classification of likely benign for this disease.

Illumina Laboratory Services, Illumina
Classification: Benign for Stargardt disease 4. Last evaluated: 2018-01-13. Review status: criteria provided, single submitter. Criteria: ICSL Variant Classification Criteria 13 December 2019. Collection method: clinical testing. Allele origin: germline.
Comment: the same text as in the submission from Illumina Laboratory Services, Illumina above.

Dr. Peter K. Rogan Lab, Western University
No classification provided (evidence only). Condition: Familial cancer of breast. Review status: no classification provided. Collection method: in vitro. Allele origin: not applicable. Functional consequence: skipped exon. Not counted in ClinVar's aggregate classification.

NM_006017.3(PROM1):c.1683-3C>T

Gene: PROM1 (prominin 1; minus strand). Cytogenetic location: 4p15.32.
Variant type: single nucleotide variant.
Coding change: c.1683-3C>T on transcript NM_006017.3 (MANE Select); 3 bases into the intron before coding-DNA position 1683, C replaced by T.
Molecular consequence: intron variant.
Genome position (GRCh38, 1-based): chr4:15,994,074, G>A on the plus strand (C>T on the coding strand, the complement: PROM1 is on the minus strand). VCF-style: chr4-15994074-G-A. GRCh37 (hg19) VCF-style: chr4-15995697-G-A.
Other names: c.1656-3C>T (NM_001145848.2, NM_001145852.2, NM_001145847.2 and 4 more transcripts); c.1683-3C>T (NM_001145850.2, NM_001145849.2).
Identifiers: ClinVar variation 347987 (VCV000347987.16), dbSNP rs143470288, ClinGen allele CA2866675.